The following is an entry in ClinVar:

NM_031885.5(BBS2):c.422A>G (p.Asn141Ser)

Gene: BBS2 (Bardet-Biedl syndrome 2; minus strand). Cytogenetic location: 16q13.
Variant type: single nucleotide variant.
Coding change: c.422A>G on transcript NM_031885.5 (MANE Select); coding-DNA position 422, A replaced by G.
Protein change: p.Asn141Ser; replaces asparagine 141 with serine.
Molecular consequence: missense variant. On other transcripts: non-coding transcript variant (5).
Genome position (GRCh38, 1-based): chr16:56,511,208, T>C on the plus strand (A>G on the coding strand, the complement: BBS2 is on the minus strand). VCF-style: chr16-56511208-T-C. GRCh37 (hg19) VCF-style: chr16-56545120-T-C.
Other names: c.422A>G, p.Asn141Ser (NM_001377456.1); short protein forms N141S.
Identifiers: ClinVar variation 965274 (VCV000965274.24), dbSNP rs144680278, ClinGen allele CA8066054.
Genomic context (GRCh38, chr16:56,511,208, plus strand): 5'-CTTCTTCATACCGTCCAAAAGAGATCACTTCCTTCATGATTGAAACCTTGCAGAGCACAA[T>C]TGCCACCAATAATCGCAAGAGGGGAAGAAATGTCTCCCAATGTCCCCAGCACAATTGCAT-3'
Protein context (NP_114091.4, residues 131-151): ISSPLAIIGG[Asn141Ser]CALQGFNHEG

ClinVar aggregate classification (germline): Conflicting classifications of pathogenicity. Review status: criteria provided, conflicting classifications (1 of 4 stars). 10 submissions from 9 submitters: Uncertain significance (7); Likely benign (1). 2 of the submissions do not count toward it. Last evaluated 2025-03-01.

Conditions:
Bardet-Biedl syndrome (BBS). Identifiers: Orphanet 110, MedGen C0752166, MONDO:0015229.
Bardet-Biedl syndrome 2 (BBS2). Identifiers: Orphanet 110, MedGen C2936863, MONDO:0014432, OMIM 615981.
Retinitis pigmentosa 74 (RP74). Identifiers: Orphanet 791, MedGen C4225281, MONDO:0014692, OMIM 616562.
BBS2-related disorder. Also called: BBS2-related condition; BBS2-related disorders. Identifiers: MedGen CN239228.

Allele frequency attached by ClinVar (database versions not stated): gnomAD 0.00004 and 0.00007; TOPMed 0.00005; ExAC 0.00014; gnomAD exomes 0.00014; 1000 Genomes Project 0.00040; 1000 Genomes Project 30x 0.00062.
gnomAD v4.1: 71 of 1,614,108 alleles (0.0044%); highest among the groups gnomAD compares: Middle Eastern, 0.082%; 1 homozygote.

Submissions (10):

CeGaT Center for Human Genetics Tuebingen
Classification: Uncertain significance. Last evaluated: 2025-03-01. Review status: criteria provided, single submitter. Criteria: CeGaT Center For Human Genetics Tuebingen Variant Classification Criteria Version 2. Collection method: clinical testing. Allele origin: germline. Affected: yes. Observed: 2 variant alleles.
Comment: BBS2: PM2, PM3

Blueprint Genetics
Classification: Likely benign. Last evaluated: 2024-08-30. Review status: criteria provided, single submitter. Criteria: ACMG Guidelines, 2015. Collection method: clinical testing. Allele origin: germline.

Fulgent Genetics
Classification: Uncertain significance for Bardet-Biedl syndrome 2; Retinitis pigmentosa 74. Last evaluated: 2024-03-12. Review status: criteria provided, single submitter. Criteria: ACMG Guidelines, 2015. Collection method: clinical testing. Allele origin: germline.

Labcorp Genetics (formerly Invitae), Labcorp
Classification: Uncertain significance for Bardet-Biedl syndrome. Last evaluated: 2022-07-19. Review status: criteria provided, single submitter. Criteria: Invitae Variant Classification Sherloc (09022015). Collection method: clinical testing. Allele origin: germline.
Comment: This sequence change replaces asparagine, which is neutral and polar, with serine, which is neutral and polar, at codon 141 of the BBS2 protein (p.Asn141Ser). This variant is present in population databases (rs144680278, gnomAD 0.2%). This variant has not been reported in the literature in individuals affected with BBS2-related conditions. ClinVar contains an entry for this variant (Variation ID: 965274). Algorithms developed to predict the effect of missense changes on protein structure and function (SIFT, PolyPhen-2, Align-GVGD) all suggest that this variant is likely to be disruptive. Algorithms developed to predict the effect of sequence changes on RNA splicing suggest that this variant may create or strengthen a splice site. In summary, the available evidence is currently insufficient to determine the role of this variant in disease. Therefore, it has been classified as a Variant of Uncertain Significance.

Genome-Nilou Lab
Classification: Uncertain significance for Bardet-Biedl syndrome 2. Last evaluated: 2021-07-14. Review status: criteria provided, single submitter. Criteria: ACMG Guidelines, 2015. Collection method: clinical testing. Allele origin: germline. Affected: no.

Genome-Nilou Lab
Classification: Uncertain significance for Retinitis pigmentosa 74. Last evaluated: 2021-07-14. Review status: criteria provided, single submitter. Criteria: ACMG Guidelines, 2015. Collection method: clinical testing. Allele origin: germline. Affected: no.

Breakthrough Genomics
Classification: Uncertain significance. Review status: criteria provided, single submitter. Criteria: ACMG Guidelines, 2015. Collection method: not provided. Allele origin: germline. Inheritance: Autosomal recessive inheritance. Affected: yes.

Juno Genomics, Hangzhou Juno Genomics, Inc
Classification: Uncertain significance for Bardet-Biedl syndrome 2; Retinitis pigmentosa 74. Review status: criteria provided, single submitter. Criteria: ACMG Guidelines, 2015. Collection method: clinical testing. Allele origin: germline.
Comment: Absent from controls (or at extremely low frequency if recessive) in Genome Aggregation Database.;Multiple lines of computational evidence support a deleterious effect on the gene or gene product.

PreventionGenetics, part of Exact Sciences
Classification: Likely benign for BBS2-related condition. Last evaluated: 2022-01-03. Review status: no assertion criteria provided. Collection method: clinical testing. Allele origin: germline. Not counted in ClinVar's aggregate classification.
Comment: This variant is classified as likely benign based on ACMG/AMP sequence variant interpretation guidelines (Richards et al. 2015 PMID: 25741868, with internal and published modifications).

Natera, Inc.
Classification: Uncertain significance for Bardet-Biedl syndrome type 2. Last evaluated: 2020-01-24. Review status: no assertion criteria provided. Collection method: clinical testing. Allele origin: germline. Not counted in ClinVar's aggregate classification.